The following is an entry in ClinVar:

ClinVar aggregate classification (germline): Uncertain significance (1 of 4 stars; one submission).

Conditions:
Hereditary cancer-predisposing syndrome. Also called: Neoplastic Syndromes, Hereditary; Tumor predisposition; Hereditary neoplastic syndrome; Hereditary Cancer Syndrome. Identifiers: Orphanet 140162, MedGen C0027672, MeSH D009386, MONDO:0015356.

Submission:

Ambry Genetics
Classification: Uncertain significance for Hereditary cancer-predisposing syndrome. Last evaluated: 2026-07-07. Review status: criteria provided, single submitter. Criteria: Ambry Variant Classification Scheme 2023. Collection method: clinical testing. Allele origin: germline.
Comment: The p.P595T variant (also known as c.1783C>A), located in coding exon 12 of the CDH1 gene, results from a C to A substitution at nucleotide position 1783. The proline at codon 595 is replaced by threonine, an amino acid with highly similar properties. This amino acid position is conserved. In addition, this alteration is predicted to be tolerated by in silico analysis. Based on the available evidence, the clinical significance of this variant remains unclear.

NM_004360.5(CDH1):c.1783C>A (p.Pro595Thr)

Gene: CDH1 (cadherin 1; plus strand). Cytogenetic location: 16q22.1.
Variant type: single nucleotide variant.
Coding change: c.1783C>A on transcript NM_004360.5 (MANE Select); coding-DNA position 1783, C replaced by A.
Protein change: p.Pro595Thr; replaces proline 595 with threonine.
Molecular consequence: missense variant. On other transcripts: 5 prime UTR variant (1).
Genome position (GRCh38, 1-based): chr16:68,822,072, C>A. VCF-style: chr16-68822072-C-A. GRCh37 (hg19) VCF-style: chr16-68855975-C-A.
Other names: c.1600C>A, p.Pro534Thr (NM_001317184.2); c.235C>A, p.Pro79Thr (NM_001317185.2); c.-183C>A (NM_001317186.2); short protein forms P595T, P79T, P534T.
Identifiers: ClinVar variation 5033978 (VCV005033978.1).
Genomic context (GRCh38, chr16:68,822,072, plus strand): 5'-GCTACTGGAACAGGGACACTTCTGCTGATCCTGTCTGATGTGAATGACAACGCCCCCATA[C>A]CAGAACCTCGAACTATATTCTTCTGTGAGAGGAATCCAAAGCCTCAGGTCATAAACATCA-3'
Protein context (NP_004351.1, residues 585-605): LSDVNDNAPI[Pro595Thr]EPRTIFFCER